The following is an entry in ClinVar:

ClinVar aggregate classification (germline): Benign/Likely benign. Review status: criteria provided, multiple submitters, no conflicts (2 of 4 stars). 4 submissions from 4 submitters: Benign (1); Likely benign (3). Last evaluated 2026-05-11.

Conditions:
CLCN5-related disorder. Also called: CLCN5-related condition.

Allele frequency attached by ClinVar (database versions not stated): gnomAD exomes 0.00005 and 0.00010; ExAC 0.00008; gnomAD 0.00012; TOPMed 0.00013.
gnomAD v4.1: 70 of 1,209,900 alleles (0.0058%); highest among the groups gnomAD compares: African/African-American, 0.03%; 1 homozygote.

Submissions (4):

PreventionGenetics, part of Exact Sciences
Classification: Likely benign for CLCN5-related condition. Last evaluated: 2026-05-11. Review status: criteria provided, single submitter. Criteria: ACMG Guidelines, 2015. Collection method: clinical testing. Allele origin: germline.
Comment: This variant is classified as likely benign based on ACMG/AMP sequence variant interpretation guidelines (Richards et al. 2015 PMID: 25741868, with internal and published modifications).

Labcorp Genetics (formerly Invitae), Labcorp
Classification: Likely benign. Last evaluated: 2026-01-03. Review status: criteria provided, single submitter. Criteria: Invitae Variant Classification Sherloc (09022015). Collection method: clinical testing. Allele origin: germline.

Blueprint Genetics
Classification: Likely benign. Last evaluated: 2024-08-22. Review status: criteria provided, single submitter. Criteria: ACMG Guidelines, 2015. Collection method: clinical testing. Allele origin: germline.

ARUP Laboratories, Molecular Genetics and Genomics, ARUP Laboratories
Classification: Benign. Last evaluated: 2024-08-05. Review status: criteria provided, single submitter. Criteria: ARUP Molecular Germline Variant Investigation Process 2024. Collection method: clinical testing. Allele origin: germline.

NM_001127898.4(CLCN5):c.450T>C (p.His150=)

Gene: CLCN5 (Cl-/H+ antiporter 5; plus strand). Cytogenetic location: Xp11.23.
Variant type: single nucleotide variant.
Coding change: c.450T>C on transcript NM_001127898.4 (MANE Select); coding-DNA position 450, T replaced by C.
Protein change: p.His150=; no amino-acid change (histidine 150 retained).
Molecular consequence: synonymous variant.
Genome position (GRCh38, 1-based): chrX:50,075,829, T>C. VCF-style: chrX-50075829-T-C. GRCh37 (hg19) VCF-style: chrX-49840484-T-C.
Other names: c.240T>C, p.His80= (NM_000084.5); c.450T>C, p.His150= (NM_001127899.4); c.300T>C, p.His100= (NM_001282163.2); c.240T>C (NM_000084.4).
Identifiers: ClinVar variation 1541074 (VCV001541074.11), dbSNP rs781944155, ClinGen allele CA10413735.